The following is an entry in ClinVar:

NM_001267550.2(TTN):c.61588C>A (p.Pro20530Thr)

Genes: TTN-AS1 (TTN antisense RNA 1; plus strand), TTN (titin; minus strand). Cytogenetic location: 2q31.2.
Variant type: single nucleotide variant.
Coding change: c.61588C>A on transcript NM_001267550.2 (MANE Select); coding-DNA position 61588, C replaced by A.
Protein change: p.Pro20530Thr; replaces proline 20530 with threonine.
Molecular consequence: missense variant.
Genome position (GRCh38, 1-based): chr2:178,590,137, G>T on the plus strand (C>A on the coding strand, the complement: TTN is on the minus strand). VCF-style: chr2-178590137-G-T. GRCh37 (hg19) VCF-style: chr2-179454864-G-T.
Other names: p.P18889T:CCT>ACT; c.56665C>A, p.Pro18889Thr (NM_001256850.1); c.34393C>A, p.Pro11465Thr (NM_003319.4); c.53884C>A, p.Pro17962Thr (NM_133378.4); c.34768C>A, p.Pro11590Thr (NM_133432.3); c.34969C>A, p.Pro11657Thr (NM_133437.4); short protein forms P18889T, P20530T, P11465T, P17962T, P11657T, P11590T.
Identifiers: ClinVar variation 202757 (VCV000202757.6), dbSNP rs755700079, ClinGen allele CA310191.

ClinVar aggregate classification (germline): Conflicting classifications of pathogenicity. Review status: criteria provided, conflicting classifications (1 of 4 stars). 4 submissions from 4 submitters: Uncertain significance (3); Likely benign (1). Last evaluated 2026-04-29.

Conditions:
TTN-related disorder. Also called: TTN-related condition; TTN-related disease; TTN-related disorders.
Cardiovascular phenotype. Identifiers: MedGen CN230736.

Allele frequency attached by ClinVar (database versions not stated): ExAC 0.00001; gnomAD 0.00003 and 0.00004; TOPMed 0.00003.
gnomAD v4.1: 114 of 1,613,108 alleles (0.0071%); highest among the groups gnomAD compares: Non-Finnish European, 0.0091%; no homozygotes.

Submissions (4):

PreventionGenetics, part of Exact Sciences
Classification: Uncertain significance for TTN-related condition. Last evaluated: 2026-04-29. Review status: criteria provided, single submitter. Criteria: ACMG Guidelines, 2015. Collection method: clinical testing. Allele origin: germline.
Comment: The TTN c.61588C>A variant is predicted to result in the amino acid substitution p.Pro20530Thr. To our knowledge, this variant has not been reported in the literature. This variant is reported in 0.0041% of alleles in individuals of African descent in gnomAD. At this time, the clinical significance of this variant is uncertain due to the absence of conclusive functional and genetic evidence.

Women's Health and Genetics/Laboratory Corporation of America, LabCorp
Classification: Uncertain significance. Last evaluated: 2023-08-19. Review status: criteria provided, single submitter. Criteria: LabCorp Variant Classification Summary - May 2015. Collection method: clinical testing. Allele origin: germline.

GeneDx
Classification: Likely benign. Last evaluated: 2020-02-03. Review status: criteria provided, single submitter. Criteria: GeneDx Variant Classification Process June 2021. Collection method: clinical testing. Allele origin: germline. Affected: yes.

Ambry Genetics
Classification: Uncertain significance for Cardiovascular phenotype. Last evaluated: 2019-10-23. Review status: criteria provided, single submitter. Criteria: Ambry Variant Classification Scheme 2023. Collection method: clinical testing. Allele origin: germline.
Comment: The p.P11465T variant (also known as c.34393C>A), located in coding exon 131 of the TTN gene, results from a C to A substitution at nucleotide position 34393. The proline at codon 11465 is replaced by threonine, an amino acid with highly similar properties. This amino acid position is highly conserved in available vertebrate species. In addition, this alteration is predicted to be tolerated by in silico analysis. Since supporting evidence is limited at this time, the clinical significance of this alteration remains unclear.